The following is an entry in ClinVar:

NM_000426.4(LAMA2):c.413A>G (p.Tyr138Cys)

Gene: LAMA2 (laminin subunit alpha 2; plus strand). Cytogenetic location: 6q22.33.
Variant type: single nucleotide variant.
Coding change: c.413A>G on transcript NM_000426.4 (MANE Select); coding-DNA position 413, A replaced by G.
Protein change: p.Tyr138Cys; replaces tyrosine 138 with cysteine.
Molecular consequence: missense variant.
Genome position (GRCh38, 1-based): chr6:129,098,189, A>G. VCF-style: chr6-129098189-A-G. GRCh37 (hg19) VCF-style: chr6-129419334-A-G.
Other names: c.413A>G, p.Tyr138Cys (NM_001079823.2); short protein forms Y138C.
Identifiers: ClinVar variation 1404100 (VCV001404100.6), dbSNP rs2114873110, ClinGen allele CA365829077.

ClinVar aggregate classification (germline): Conflicting classifications of pathogenicity. Review status: criteria provided, conflicting classifications (1 of 4 stars). 2 submissions from 2 submitters: Likely pathogenic (1); Uncertain significance (1). Last evaluated 2021-08-27.

Conditions:
LAMA2-related disorder. Also called: LAMA2-related condition; LAMA2-related disorders.
LAMA2-related muscular dystrophy (LAMA2-RD). Also called: Laminin alpha 2-related dystrophy. Identifiers: MedGen C5679788, MONDO:0100228.

gnomAD v4.1: 1 of 1,614,086 alleles (0.000062%); highest among the groups gnomAD compares: Non-Finnish European, 0.000085%; no homozygotes.

Submissions (2):

Labcorp Genetics (formerly Invitae), Labcorp
Classification: Uncertain significance for LAMA2-related muscular dystrophy. Last evaluated: 2021-08-27. Review status: criteria provided, single submitter. Criteria: Invitae Variant Classification Sherloc (09022015). Collection method: clinical testing. Allele origin: germline.
Comment: This sequence change replaces tyrosine with cysteine at codon 138 of the LAMA2 protein (p.Tyr138Cys). The tyrosine residue is moderately conserved and there is a large physicochemical difference between tyrosine and cysteine. This variant is not present in population databases (ExAC no frequency). This variant has not been reported in the literature in individuals affected with LAMA2-related conditions. Algorithms developed to predict the effect of missense changes on protein structure and function are either unavailable or do not agree on the potential impact of this missense change (SIFT: "Deleterious"; PolyPhen-2: "Probably Damaging"; Align-GVGD: "Class C0"). In summary, the available evidence is currently insufficient to determine the role of this variant in disease. Therefore, it has been classified as a Variant of Uncertain Significance.

Blueprint Genetics
Classification: Likely pathogenic for LAMA2-related disorders. Last evaluated: 2021-06-21. Review status: criteria provided, single submitter. Criteria: ACMG Guidelines, 2015. Collection method: clinical testing. Allele origin: germline. Affected: yes. Observed: 1 variant allele.